The following is an entry in ClinVar:

NM_000276.4(OCRL):c.601A>G (p.Lys201Glu)

Gene: OCRL (OCRL inositol polyphosphate-5-phosphatase; plus strand). Cytogenetic location: Xq26.1.
Variant type: single nucleotide variant.
Coding change: c.601A>G on transcript NM_000276.4 (MANE Select); coding-DNA position 601, A replaced by G.
Protein change: p.Lys201Glu; replaces lysine 201 with glutamic acid.
Molecular consequence: missense variant.
Genome position (GRCh38, 1-based): chrX:129,558,880, A>G. VCF-style: chrX-129558880-A-G. GRCh37 (hg19) VCF-style: chrX-128692857-A-G.
Other names: c.604A>G, p.Lys202Glu (NM_001318784.2); c.601A>G, p.Lys201Glu (NM_001587.4); short protein forms K202E, K201E.
Identifiers: ClinVar variation 2104697 (VCV002104697.4), dbSNP rs2521878684, ClinGen allele CA414551629.
Genomic context (GRCh38, chrX:129,558,880, plus strand): 5'-ATCTCTCATTTATTTGCTAGGCTTCCACGTGAAAAAGAAGCTTCTAACAAGGAGCAGCCC[A>G]AAGTGACCAACACCATGCGGAAGCTCTTTGTACCAAATACCCAATCTGGGCAGCGGGAGG-3'
Protein context (NP_000267.2, residues 191-211): EKEASNKEQP[Lys201Glu]VTNTMRKLFV

ClinVar aggregate classification (germline): Uncertain significance (1 of 4 stars; one submission).

Conditions:
Lowe syndrome (OCRL). Also called: LOWE OCULOCEREBRORENAL SYNDROME; PHOSPHATIDYLINOSITOL 4,5-BISPHOSPHATE 5-PHOSPHATASE DEFICIENCY; Oculocerebrorenal Syndrome. Identifiers: Orphanet 534, MedGen C0028860, MONDO:0010645, OMIM 309000.

Submission:

Labcorp Genetics (formerly Invitae), Labcorp
Classification: Uncertain significance for Lowe syndrome. Last evaluated: 2024-03-04. Review status: criteria provided, single submitter. Criteria: Invitae Variant Classification Sherloc (09022015). Collection method: clinical testing. Allele origin: germline.
Comment: This sequence change replaces lysine, which is basic and polar, with glutamic acid, which is acidic and polar, at codon 201 of the OCRL protein (p.Lys201Glu). This variant is not present in population databases (gnomAD no frequency). This variant has not been reported in the literature in individuals affected with OCRL-related conditions. ClinVar contains an entry for this variant (Variation ID: 2104697). Advanced modeling of protein sequence and biophysical properties (such as structural, functional, and spatial information, amino acid conservation, physicochemical variation, residue mobility, and thermodynamic stability) performed at Invitae indicates that this missense variant is not expected to disrupt OCRL protein function with a negative predictive value of 95%. In summary, the available evidence is currently insufficient to determine the role of this variant in disease. Therefore, it has been classified as a Variant of Uncertain Significance.